The following is an entry in ClinVar:

ClinVar aggregate classification (germline): Likely pathogenic (0 of 4 stars; one submission).

Conditions:
MED13L-related disorder. Also called: MED13L-related condition.

Submission:

PreventionGenetics, part of Exact Sciences
Classification: Likely pathogenic for MED13L-related condition. Last evaluated: 2024-05-14. Review status: no assertion criteria provided. Collection method: clinical testing. Allele origin: germline.
Comment: The MED13L c.2824C>T variant is predicted to result in premature protein termination (p.Gln942*). To our knowledge, this variant has not been reported in the literature or in a large population database, indicating this variant is rare. Nonsense variants in MED13L are expected to be pathogenic. This variant is interpreted as likely pathogenic.

NM_015335.5(MED13L):c.2824C>T (p.Gln942Ter)

Gene: MED13L (mediator complex subunit 13L; minus strand). Cytogenetic location: 12q24.21.
Variant type: single nucleotide variant.
Coding change: c.2824C>T on transcript NM_015335.5 (MANE Select); coding-DNA position 2824, C replaced by T.
Protein change: p.Gln942Ter; replaces glutamine 942 with a stop codon.
Molecular consequence: nonsense.
Genome position (GRCh38, 1-based): chr12:115,996,648, G>A on the plus strand (C>T on the coding strand, the complement: MED13L is on the minus strand). VCF-style: chr12-115996648-G-A. GRCh37 (hg19) VCF-style: chr12-116434453-G-A.
Other names: short protein forms Q942*.
Identifiers: ClinVar variation 3345502 (VCV003345502.1).